The following is an entry in ClinVar:

NM_003359.4(UGDH):c.105T>G (p.Val35=)

Gene: UGDH (UDP-glucose 6-dehydrogenase; minus strand). Cytogenetic location: 4p14.
Variant type: single nucleotide variant.
Coding change: c.105T>G on transcript NM_003359.4 (MANE Select); coding-DNA position 105, T replaced by G.
Protein change: p.Val35=; no amino-acid change (valine 35 retained).
Molecular consequence: synonymous variant. On other transcripts: intron variant (1).
Genome position (GRCh38, 1-based): chr4:39,521,408, A>C on the plus strand (T>G on the coding strand, the complement: UGDH is on the minus strand). VCF-style: chr4-39521408-A-C. GRCh37 (hg19) VCF-style: chr4-39523028-A-C.
Other names: c.105T>G, p.Val35= (NM_001184700.2); c.-130+5875T>G (NM_001184701.2).
Identifiers: ClinVar variation 2672989 (VCV002672989.23), dbSNP rs779814943, ClinGen allele CA438956548.

ClinVar aggregate classification (germline): Likely benign (1 of 4 stars; one submission).

Submission:

CeGaT Center for Human Genetics Tuebingen
Classification: Likely benign. Last evaluated: 2023-11-01. Review status: criteria provided, single submitter. Criteria: CeGaT Center For Human Genetics Tuebingen Variant Classification Criteria Version 2. Collection method: clinical testing. Allele origin: germline. Affected: yes. Observed: 1 variant allele.
Comment: UGDH: PM2:Supporting, BP4, BP7